The following is an entry in ClinVar:

ClinVar aggregate classification (germline): Uncertain significance (1 of 4 stars; one submission).

Conditions:
Inborn genetic diseases. Identifiers: MedGen C0950123, MeSH D030342.

gnomAD v4.1: 6 of 1,613,738 alleles (0.00037%); highest among the groups gnomAD compares: Non-Finnish European, 0.00051%; no homozygotes.

Submission:

Ambry Genetics
Classification: Uncertain significance for Inborn genetic diseases. Last evaluated: 2024-12-12. Review status: criteria provided, single submitter. Criteria: Ambry Variant Classification Scheme 2023. Collection method: clinical testing. Allele origin: germline.
Comment: The p.S972Y variant (also known as c.2915C>A), located in coding exon 24 of the ANKRD26 gene, results from a C to A substitution at nucleotide position 2915. The serine at codon 972 is replaced by tyrosine, an amino acid with dissimilar properties. This amino acid position is conserved. In addition, this alteration is predicted to be tolerated by in silico analysis. Based on the available evidence, the clinical significance of this variant remains unclear.

NM_014915.3(ANKRD26):c.2915C>A (p.Ser972Tyr)

Gene: ANKRD26 (ankyrin repeat domain containing 26; minus strand). Cytogenetic location: 10p12.1.
Variant type: single nucleotide variant.
Coding change: c.2915C>A on transcript NM_014915.3 (MANE Select); coding-DNA position 2915, C replaced by A.
Protein change: p.Ser972Tyr; replaces serine 972 with tyrosine.
Molecular consequence: missense variant.
Genome position (GRCh38, 1-based): chr10:27,035,535, G>T on the plus strand (C>A on the coding strand, the complement: ANKRD26 is on the minus strand). VCF-style: chr10-27035535-G-T. GRCh37 (hg19) VCF-style: chr10-27324464-G-T.
Other names: c.2912C>A, p.Ser971Tyr (NM_001256053.2); short protein forms S971Y, S972Y.
Identifiers: ClinVar variation 3869190 (VCV003869190.1).